The following is an entry in ClinVar:

NM_001244008.2(KIF1A):c.3374+3G>A

Gene: KIF1A (kinesin family member 1A; minus strand). Cytogenetic location: 2q37.3.
Variant type: single nucleotide variant.
Coding change: c.3374+3G>A on transcript NM_001244008.2 (MANE Select); 3 bases into the intron after coding-DNA position 3374, G replaced by A.
Molecular consequence: intron variant.
Genome position (GRCh38, 1-based): chr2:240,745,735, C>T on the plus strand (G>A on the coding strand, the complement: KIF1A is on the minus strand). VCF-style: chr2-240745735-C-T. GRCh37 (hg19) VCF-style: chr2-241685152-C-T.
Other names: c.3071+3G>A (NM_001379653.1, NM_001379650.1, NM_001379641.1 and 5 more transcripts); c.3347+3G>A (NM_001379645.1, NM_001379633.1, NM_001379642.1); c.3173+3G>A (NM_001379635.1, NM_001330290.2, NM_001379646.1 and 1 more transcripts); c.3068+3G>A (NM_001379640.1); c.3323+3G>A (NM_001379632.1); c.3146+3G>A (NM_001379637.1, NM_001379648.1); c.3098+3G>A (NM_001320705.2, NM_001379638.1, NM_001330289.2); c.3449+3G>A (NM_001379631.1).
Identifiers: ClinVar variation 2921529 (VCV002921529.3), dbSNP rs2537286936, ClinGen allele CA2740096522.

ClinVar aggregate classification (germline): Uncertain significance (1 of 4 stars; one submission).

Conditions:
Neuropathy, hereditary sensory, type 2C. Also called: Hereditary sensory and autonomic neuropathy type IIC; KIF1A-Related HSAN2 (HSAN2C). Identifiers: Orphanet 970, MedGen C3280168, MONDO:0013634, OMIM 614213.
Hereditary spastic paraplegia 30. Identifiers: Orphanet 101010, MedGen C5235139, MONDO:0012476.
Intellectual disability, autosomal dominant 9 (NESCAVS). Also called: NESCAV SYNDROME; KIF1A-Related Neurodevelopmental Disorder. Identifiers: Orphanet 662367, MedGen C5393830, MONDO:0013656, OMIM 614255.

Submission:

Labcorp Genetics (formerly Invitae), Labcorp
Classification: Uncertain significance for Hereditary spastic paraplegia 30; Neuropathy, hereditary sensory, type 2C; Intellectual disability, autosomal dominant 9. Last evaluated: 2023-12-18. Review status: criteria provided, single submitter. Criteria: Invitae Variant Classification Sherloc (09022015). Collection method: clinical testing. Allele origin: germline.
Comment: This sequence change falls in intron 28 of the KIF1A gene. It does not directly change the encoded amino acid sequence of the KIF1A protein. It affects a nucleotide within the consensus splice site. This variant is not present in population databases (gnomAD no frequency). This variant has not been reported in the literature in individuals affected with KIF1A-related conditions. Variants that disrupt the consensus splice site are a relatively common cause of aberrant splicing (PMID: 17576681, 9536098). Algorithms developed to predict the effect of sequence changes on RNA splicing suggest that this variant is not likely to affect RNA splicing. In summary, the available evidence is currently insufficient to determine the role of this variant in disease. Therefore, it has been classified as a Variant of Uncertain Significance.

Literature cited by the submitters: PubMed 17576681; PubMed 9536098.